The following is an entry in ClinVar:

ClinVar aggregate classification (germline): Uncertain significance (1 of 4 stars; one submission).

gnomAD v4.1: 2 of 1,612,638 alleles (0.00012%); highest among the groups gnomAD compares: Middle Eastern, 0.017%; no homozygotes.

Submission:

GeneDx
Classification: Uncertain significance. Last evaluated: 2026-03-13. Review status: criteria provided, single submitter. Criteria: GeneDx Variant Classification Process June 2021. Collection method: clinical testing. Allele origin: germline.
Comment: Not observed at significant frequency in large population cohorts (gnomAD); In silico analysis suggests that this missense variant does not alter protein structure/function; Has not been previously published as pathogenic or benign to our knowledge

NM_001081.4(CUBN):c.871G>T (p.Ala291Ser)

Gene: CUBN (cubilin; minus strand). Cytogenetic location: 10p13.
Variant type: single nucleotide variant.
Coding change: c.871G>T on transcript NM_001081.4 (MANE Select); coding-DNA position 871, G replaced by T.
Protein change: p.Ala291Ser; replaces alanine 291 with serine.
Molecular consequence: missense variant.
Genome position (GRCh38, 1-based): chr10:17,114,039, C>A on the plus strand (G>T on the coding strand, the complement: CUBN is on the minus strand). VCF-style: chr10-17114039-C-A. GRCh37 (hg19) VCF-style: chr10-17156038-C-A.
Other names: short protein forms A291S.
Identifiers: ClinVar variation 4282054 (VCV004282054.2).